The following is an entry in ClinVar:

NM_138413.4(HOGA1):c.745C>T (p.Gln249Ter)

Gene: HOGA1 (4-hydroxy-2-oxoglutarate aldolase 1; plus strand). Cytogenetic location: 10q24.2.
Variant type: single nucleotide variant.
Coding change: c.745C>T on transcript NM_138413.4 (MANE Select); coding-DNA position 745, C replaced by T.
Protein change: p.Gln249Ter; replaces glutamine 249 with a stop codon.
Molecular consequence: nonsense.
Genome position (GRCh38, 1-based): chr10:97,601,901, C>T. VCF-style: chr10-97601901-C-T. GRCh37 (hg19) VCF-style: chr10-99361658-C-T.
Other names: c.256C>T, p.Gln86Ter (NM_001134670.2); short protein forms Q86*, Q249*.
Identifiers: ClinVar variation 5004175 (VCV005004175.1).
Genomic context (GRCh38, chr10:97,601,901, plus strand): 5'-GTCTTACTTCGTGCAGGAGCTGTGGGGGGCGTCTGCGCCCTGGCCAATGTCCTGGGGGCT[C>T]AGGTGTGCCAGCTGGAGCGACTGTGCTGCACGGGGCAATGGGAAGATGCCCAGAAACTGC-3'

ClinVar aggregate classification (germline): Pathogenic (1 of 4 stars; one submission).

Conditions:
Primary hyperoxaluria type 3. Also called: PH III. Identifiers: Orphanet 416, Orphanet 93600, MedGen C3150878, MONDO:0013327, OMIM 613616. Disease mechanism: loss of function.

Submission:

Myriad Genetics, Inc.
Classification: Pathogenic for Primary hyperoxaluria type 3. Last evaluated: 2025-09-17. Review status: criteria provided, single submitter. Criteria: Myriad Autosomal Dominant, Autosomal Recessive and X-Linked Classification Criteria (2023). Collection method: clinical testing. Allele origin: unknown.
Comment: NM_138413.3(HOGA1):c.745C>T(Q249*) is a nonsense variant classified as pathogenic in the context of primary hyperoxaluria type 3. Q249* has not been observed in cases with relevant disease. Relevant functional assessments of this variant are not available in the literature. Q249* has not been observed in referenced population frequency databases. In summary, NM_138413.3(HOGA1):c.745C>T(Q249*) is a nonsense variant in a gene where loss of function is a known mechanism of disease and is predicted to disrupt protein function. Please note: this variant was assessed in the context of healthy population screening.